The following is an entry in ClinVar:

ClinVar aggregate classification (germline): Uncertain significance (1 of 4 stars; one submission).

Allele frequency attached by ClinVar (database versions not stated): gnomAD exomes below 0.00001.
gnomAD v4.1: 1 of 1,610,888 alleles (0.000062%); no homozygotes.

Submission:

Labcorp Genetics (formerly Invitae), Labcorp
Classification: Uncertain significance. Last evaluated: 2024-03-16. Review status: criteria provided, single submitter. Criteria: Invitae Variant Classification Sherloc (09022015). Collection method: clinical testing. Allele origin: germline.
Comment: This sequence change replaces lysine, which is basic and polar, with glutamic acid, which is acidic and polar, at codon 792 of the ROR2 protein (p.Lys792Glu). This variant is not present in population databases (gnomAD no frequency). This variant has not been reported in the literature in individuals affected with ROR2-related conditions. ClinVar contains an entry for this variant (Variation ID: 2117515). Advanced modeling of protein sequence and biophysical properties (such as structural, functional, and spatial information, amino acid conservation, physicochemical variation, residue mobility, and thermodynamic stability) performed at Invitae indicates that this missense variant is not expected to disrupt ROR2 protein function with a negative predictive value of 95%. In summary, the available evidence is currently insufficient to determine the role of this variant in disease. Therefore, it has been classified as a Variant of Uncertain Significance.

NM_004560.4(ROR2):c.2374A>G (p.Lys792Glu)

Gene: ROR2 (receptor tyrosine kinase like orphan receptor 2; minus strand). Cytogenetic location: 9q22.31.
Variant type: single nucleotide variant.
Coding change: c.2374A>G on transcript NM_004560.4 (MANE Select); coding-DNA position 2374, A replaced by G.
Protein change: p.Lys792Glu; replaces lysine 792 with glutamic acid.
Molecular consequence: missense variant.
Genome position (GRCh38, 1-based): chr9:91,724,120, T>C on the plus strand (A>G on the coding strand, the complement: ROR2 is on the minus strand). VCF-style: chr9-91724120-T-C. GRCh37 (hg19) VCF-style: chr9-94486402-T-C.
Other names: short protein forms K792E.
Identifiers: ClinVar variation 2117515 (VCV002117515.4), dbSNP rs1037636706, ClinGen allele CA195322227.